The following is an entry in ClinVar:

ClinVar aggregate classification (germline): Uncertain significance (1 of 4 stars; one submission).

Conditions:
Sulfite oxidase deficiency due to molybdenum cofactor deficiency type A. Also called: Molybdenum cofactor deficiency, complementation group A; Molybdenum Cofactor Deficiency A. Identifiers: Orphanet 308386, Orphanet 833, MedGen C1854988, MONDO:0009643, OMIM 252150.

Allele frequency attached by ClinVar (database versions not stated): gnomAD exomes below 0.00001.
gnomAD v4.1: 2 of 1,614,152 alleles (0.00012%); highest among the groups gnomAD compares: Non-Finnish European, 0.00017%; no homozygotes.

Submission:

Labcorp Genetics (formerly Invitae), Labcorp
Classification: Uncertain significance for Sulfite oxidase deficiency due to molybdenum cofactor deficiency type A. Last evaluated: 2022-04-28. Review status: criteria provided, single submitter. Criteria: Invitae Variant Classification Sherloc (09022015). Collection method: clinical testing. Allele origin: germline.
Comment: This sequence change replaces lysine, which is basic and polar, with arginine, which is basic and polar, at codon 205 of the MOCS1 protein (p.Lys205Arg). In summary, the available evidence is currently insufficient to determine the role of this variant in disease. Therefore, it has been classified as a Variant of Uncertain Significance. Algorithms developed to predict the effect of missense changes on protein structure and function are either unavailable or do not agree on the potential impact of this missense change (SIFT: "Not Available"; PolyPhen-2: "Benign"; Align-GVGD: "Not Available"). ClinVar contains an entry for this variant (Variation ID: 1007917). This variant has not been reported in the literature in individuals affected with MOCS1-related conditions. This variant is present in population databases (no rsID available, gnomAD 0.0009%).

NM_001358530.2(MOCS1):c.614A>G (p.Lys205Arg)

Gene: MOCS1 (molybdenum cofactor synthesis 1; minus strand). Cytogenetic location: 6p21.2.
Variant type: single nucleotide variant.
Coding change: c.614A>G on transcript NM_001358530.2 (MANE Select); coding-DNA position 614, A replaced by G.
Protein change: p.Lys205Arg; replaces lysine 205 with arginine.
Molecular consequence: missense variant. On other transcripts: non-coding transcript variant (1).
Genome position (GRCh38, 1-based): chr6:39,913,805, T>C on the plus strand (A>G on the coding strand, the complement: MOCS1 is on the minus strand). VCF-style: chr6-39913805-T-C. GRCh37 (hg19) VCF-style: chr6-39881549-T-C.
Other names: c.614A>G, p.Lys205Arg (NM_001075098.4, NM_001358529.2, NM_005943.6); c.353A>G, p.Lys118Arg (NM_001358531.2, NM_001358533.2, NM_001358534.2); short protein forms K118R, K205R.
Identifiers: ClinVar variation 1007917 (VCV001007917.10), dbSNP rs1468443174, ClinGen allele CA364044184.